The following is an entry in ClinVar:

ClinVar aggregate classification (germline): Likely benign (0 of 4 stars; one submission).

Conditions:
GPC1-related disorder. Also called: GPC1-related condition.

Allele frequency attached by ClinVar (database versions not stated): ExAC 0.00008; gnomAD 0.00012; TOPMed 0.00012; ESP Exome Variant Server 0.00015.
gnomAD v4.1: 137 of 1,612,780 alleles (0.0085%); highest among the groups gnomAD compares: African/African-American, 0.0067%; no homozygotes.

Submission:

PreventionGenetics, part of Exact Sciences
Classification: Likely benign for GPC1-related condition. Last evaluated: 2022-03-09. Review status: no assertion criteria provided. Collection method: clinical testing. Allele origin: germline.
Comment: This variant is classified as likely benign based on ACMG/AMP sequence variant interpretation guidelines (Richards et al. 2015 PMID: 25741868, with internal and published modifications).

NM_002081.3(GPC1):c.862G>A (p.Ala288Thr)

Gene: GPC1 (glypican 1; plus strand). Cytogenetic location: 2q37.3.
Variant type: single nucleotide variant.
Coding change: c.862G>A on transcript NM_002081.3 (MANE Select); coding-DNA position 862, G replaced by A.
Protein change: p.Ala288Thr; replaces alanine 288 with threonine.
Molecular consequence: missense variant.
Genome position (GRCh38, 1-based): chr2:240,463,491, G>A. VCF-style: chr2-240463491-G-A. GRCh37 (hg19) VCF-style: chr2-241402908-G-A.
Other names: short protein forms A288T.
Identifiers: ClinVar variation 3042450 (VCV003042450.2), dbSNP rs144394036, ClinGen allele CA2203044.
Genomic context (GRCh38, chr2:240,463,491, plus strand): 5'-TGCCCTGACTATTGCCGAAATGTGCTCAAGGGCTGCCTTGCCAACCAGGCCGACCTGGAC[G>A]CCGAGTGGAGGAACCTCCTGGGTGAGCCCCCACCCGCGAGAGCGGCCTGGAACTGTCTTG-3'
Protein context (NP_002072.2, residues 278-298): GCLANQADLD[Ala288Thr]EWRNLLDSMV